The following is an entry in ClinVar:

ClinVar aggregate classification (germline): Uncertain significance (1 of 4 stars; one submission).

gnomAD v4.1: 10 of 1,613,848 alleles (0.00062%); highest among the groups gnomAD compares: Non-Finnish European, 0.00085%; no homozygotes.

Submission:

GeneDx
Classification: Uncertain significance. Last evaluated: 2025-06-23. Review status: criteria provided, single submitter. Criteria: GeneDx Variant Classification Process June 2021. Collection method: clinical testing. Allele origin: germline. Affected: yes.
Comment: Not observed at significant frequency in large population cohorts (gnomAD); In silico analysis supports that this missense variant has a deleterious effect on protein structure/function; Has not been previously published as pathogenic or benign to our knowledge

NM_001032.5(RPS29):c.20A>G (p.Tyr7Cys)

Gene: RPS29 (ribosomal protein S29; minus strand). Cytogenetic location: 14q21.3.
Variant type: single nucleotide variant.
Coding change: c.20A>G on transcript NM_001032.5 (MANE Select); coding-DNA position 20, A replaced by G.
Protein change: p.Tyr7Cys; replaces tyrosine 7 with cysteine.
Molecular consequence: missense variant. On other transcripts: intron variant (1).
Genome position (GRCh38, 1-based): chr14:49,586,327, T>C on the plus strand (A>G on the coding strand, the complement: RPS29 is on the minus strand). VCF-style: chr14-49586327-T-C. GRCh37 (hg19) VCF-style: chr14-50053045-T-C.
Other names: c.20A>G, p.Tyr7Cys (NM_001030001.4); c.54-278A>G (NM_001351375.2); short protein forms Y7C.
Identifiers: ClinVar variation 4539958 (VCV004539958.1).